The following is an entry in ClinVar:

ClinVar aggregate classification (germline): Conflicting classifications of pathogenicity. Review status: criteria provided, conflicting classifications (1 of 4 stars). 4 submissions from 4 submitters: Uncertain significance (3); Likely benign (1). Last evaluated 2023-07-28.

Conditions:
Hereditary cancer-predisposing syndrome. Also called: Hereditary Cancer Syndrome; Hereditary neoplastic syndrome; Neoplastic Syndromes, Hereditary; Tumor predisposition. Identifiers: Orphanet 140162, MedGen C0027672, MeSH D009386, MONDO:0015356.

Submissions (4):

Women's Health and Genetics/Laboratory Corporation of America, LabCorp
Classification: Uncertain significance. Last evaluated: 2023-07-28. Review status: criteria provided, single submitter. Criteria: LabCorp Variant Classification Summary - May 2015. Collection method: clinical testing. Allele origin: germline.

University of Washington Department of Laboratory Medicine, University of Washington
Classification: Likely benign for Hereditary cancer-predisposing syndrome. Last evaluated: 2023-03-23. Review status: criteria provided, single submitter. Criteria: Dines et al. (Genet Med. 2020). Collection method: curation. Allele origin: germline.
Comment: Missense variant in a coldspot region where missense variants are very unlikely to be pathogenic (PMID:31911673).

BRCA2 exon 11 coldspot. Reclassification based on statistical prior probability.

Sema4
Classification: Uncertain significance for Hereditary cancer-predisposing syndrome. Last evaluated: 2021-10-21. Review status: criteria provided, single submitter. Criteria: Sema4 Curation Guidelines. Collection method: curation. Allele origin: germline.
Comment: The BRCA2 c.5831A>C (p.K1944T) variant has not been reported in the literature to our knowledge. It was not observed in the large and broad cohorts of the Genome Aggregation Database (PMID: 32461654), and has not been reported in ClinVar. Functional studies have not been performed, and in silico predictions of the variant's effect on protein function are inconclusive. There is no indication that this variant causes disease, but the evidence is insufficient currently to prove that conclusively. Thus, the clinical significance of this variant is currently uncertain.

Ambry Genetics
Classification: Uncertain significance for Hereditary cancer-predisposing syndrome. Last evaluated: 2020-12-14. Review status: criteria provided, single submitter. Criteria: Ambry Variant Classification Scheme 2023. Collection method: clinical testing. Allele origin: germline.
Comment: The p.K1944T variant (also known as c.5831A>C), located in coding exon 10 of the BRCA2 gene, results from an A to C substitution at nucleotide position 5831. The lysine at codon 1944 is replaced by threonine, an amino acid with similar properties. This amino acid position is poorly conserved in available vertebrate species. In addition, this alteration is predicted to be tolerated by in silico analysis. Since supporting evidence is limited at this time, the clinical significance of this alteration remains unclear.

NM_000059.4(BRCA2):c.5831A>C (p.Lys1944Thr)

Gene: BRCA2 (BRCA2 DNA repair associated; plus strand). Cytogenetic location: 13q13.1.
Variant type: single nucleotide variant.
Coding change: c.5831A>C on transcript NM_000059.4 (MANE Select); coding-DNA position 5831, A replaced by C.
Protein change: p.Lys1944Thr; replaces lysine 1944 with threonine.
Molecular consequence: missense variant.
Genome position (GRCh38, 1-based): chr13:32,340,186, A>C. VCF-style: chr13-32340186-A-C. GRCh37 (hg19) VCF-style: chr13-32914323-A-C.
Other names: short protein forms K1944T.
Identifiers: ClinVar variation 1692119 (VCV001692119.6), dbSNP rs2137521445, ClinGen allele CA387787323.
Genomic context (GRCh38, chr13:32,340,186, plus strand): 5'-TTCAGAGTGAAGAAATTTTACAACATAACCAAAATATGTCTGGATTGGAGAAAGTTTCTA[A>C]AATATCACCTTGTGATGTTAGTTTGGAAACTTCAGATATATGTAAATGTAGTATAGGGAA-3'
Protein context (NP_000050.3, residues 1934-1954): QNMSGLEKVS[Lys1944Thr]ISPCDVSLET